The following is an entry in ClinVar:

NM_018124.4(RFWD3):c.2170A>C (p.Asn724His)

Gene: RFWD3 (ring finger and WD repeat domain 3; minus strand). Cytogenetic location: 16q23.1.
Variant type: single nucleotide variant.
Coding change: c.2170A>C on transcript NM_018124.4 (MANE Select); coding-DNA position 2170, A replaced by C.
Protein change: p.Asn724His; replaces asparagine 724 with histidine.
Molecular consequence: missense variant.
Genome position (GRCh38, 1-based): chr16:74,626,354, T>G on the plus strand (A>C on the coding strand, the complement: RFWD3 is on the minus strand). VCF-style: chr16-74626354-T-G. GRCh37 (hg19) VCF-style: chr16-74660252-T-G.
Other names: c.2170A>C, p.Asn724His (NM_001370534.1, NM_001370535.1); c.1993A>C, p.Asn665His (NM_001370536.1); c.1336A>C, p.Asn446His (NM_001370537.1, NM_001370539.1, NM_001370540.1 and 3 more transcripts); c.2170A>C (NM_018124.3); short protein forms N446H, N665H, N724H.
Identifiers: ClinVar variation 2880279 (VCV002880279.4), dbSNP rs778553579, ClinGen allele CA8168977.
Genomic context (GRCh38, chr16:74,626,354, plus strand): 5'-TTTAAGCAAAACTACTTTTTATATGAAAGTAAAAAAGTAACAGGCTCACCAGGGCAGAAT[T>G]TGCTGCTTCATCCCCAGTACACACCAGGATGTTGCCATCATTCTCTGGGCTTTGGAAAAT-3'
Protein context (NP_060594.3, residues 714-734): ILVCTGDEAA[Asn724His]SALLWDAASG

ClinVar aggregate classification (germline): Uncertain significance. Review status: criteria provided, multiple submitters, no conflicts (2 of 4 stars). 2 submissions from 2 submitters: Uncertain significance (2). Last evaluated 2024-04-08.

Allele frequency attached by ClinVar (database versions not stated): gnomAD 0.00001; gnomAD exomes 0.00001; TOPMed 0.00001.

Submissions (2):

Labcorp Genetics (formerly Invitae), Labcorp
Classification: Uncertain significance. Last evaluated: 2024-04-08. Review status: criteria provided, single submitter. Criteria: Invitae Variant Classification Sherloc (09022015). Collection method: clinical testing. Allele origin: germline.
Comment: This sequence change replaces asparagine, which is neutral and polar, with histidine, which is basic and polar, at codon 724 of the RFWD3 protein (p.Asn724His). This variant is present in population databases (rs778553579, gnomAD 0.08%), and has an allele count higher than expected for a pathogenic variant. This variant has not been reported in the literature in individuals affected with RFWD3-related conditions. An algorithm developed to predict the effect of missense changes on protein structure and function (PolyPhen-2) suggests that this variant is likely to be disruptive. In summary, the available evidence is currently insufficient to determine the role of this variant in disease. Therefore, it has been classified as a Variant of Uncertain Significance.

Ambry Genetics
Classification: Uncertain significance. Last evaluated: 2024-03-30. Review status: criteria provided, single submitter. Criteria: Ambry Variant Classification Scheme 2023. Collection method: clinical testing. Allele origin: germline.